The following is an entry in ClinVar:

NM_001377.3(DYNC2H1):c.8694+16T>C

Gene: DYNC2H1 (dynein cytoplasmic 2 heavy chain 1; plus strand). Cytogenetic location: 11q22.3.
Variant type: single nucleotide variant.
Coding change: c.8694+16T>C on transcript NM_001377.3 (MANE Select); 16 bases into the intron after coding-DNA position 8694, T replaced by C.
Molecular consequence: intron variant.
Genome position (GRCh38, 1-based): chr11:103,211,959, T>C. VCF-style: chr11-103211959-T-C. GRCh37 (hg19) VCF-style: chr11-103082688-T-C.
Other names: c.8694+16T>C (NM_001080463.2).
Identifiers: ClinVar variation 681400 (VCV000681400.1), dbSNP rs1236804884, ClinGen allele CA670956801.

ClinVar aggregate classification (germline): Likely benign (1 of 4 stars; one submission).

Allele frequency attached by ClinVar (database versions not stated): gnomAD exomes below 0.00001; TOPMed below 0.00001; gnomAD 0.00001.
gnomAD v4.1: 2 of 1,496,230 alleles (0.00013%); highest among the groups gnomAD compares: Non-Finnish European, 0.00018%; no homozygotes.

Submission:

GeneDx
Classification: Likely benign. Last evaluated: 2018-03-26. Review status: criteria provided, single submitter. Criteria: GeneDx Variant Classification (06012015). Collection method: clinical testing. Allele origin: germline. Affected: yes.
Comment: This variant is considered likely benign or benign based on one or more of the following criteria: it is a conservative change, it occurs at a poorly conserved position in the protein, it is predicted to be benign by multiple in silico algorithms, and/or has population frequency not consistent with disease.